The following is an entry in ClinVar:

ClinVar aggregate classification (germline): Pathogenic. Review status: criteria provided, multiple submitters, no conflicts (2 of 4 stars). 3 submissions from 3 submitters: Pathogenic (3). Last evaluated 2025-05-28.

Conditions:
Hereditary cancer-predisposing syndrome. Also called: Neoplastic Syndromes, Hereditary; Tumor predisposition; Hereditary neoplastic syndrome; Hereditary Cancer Syndrome. Identifiers: Orphanet 140162, MedGen C0027672, MeSH D009386, MONDO:0015356.
Familial cancer of breast. Also called: BREAST CANCER, FAMILIAL; hereditary breast carcinoma; Hereditary breast cancer. Identifiers: Orphanet 227535, MedGen C0346153, MONDO:0016419, OMIM 114480. Disease mechanism: loss of function.

Allele frequency attached by ClinVar (database versions not stated): TOPMed below 0.00001; gnomAD 0.00001 and 0.00003.
gnomAD v4.1: 1 of 1,613,992 alleles (0.000062%); highest among the groups gnomAD compares: African/African-American, 0.0013%; no homozygotes.

Submissions (3):

Labcorp Genetics (formerly Invitae), Labcorp
Classification: Pathogenic for Familial cancer of breast. Last evaluated: 2025-05-28. Review status: criteria provided, single submitter. Criteria: Invitae Variant Classification Sherloc (09022015). Collection method: clinical testing. Allele origin: germline.
Comment: This sequence change creates a premature translational stop signal (p.Lys371*) in the BARD1 gene. It is expected to result in an absent or disrupted protein product. Loss-of-function variants in BARD1 are known to be pathogenic (PMID: 20077502, 21344236). This variant is present in population databases (no rsID available, gnomAD 0.01%). This variant has not been reported in the literature in individuals affected with BARD1-related conditions. ClinVar contains an entry for this variant (Variation ID: 580814). For these reasons, this variant has been classified as Pathogenic.

Ambry Genetics
Classification: Pathogenic for Hereditary cancer-predisposing syndrome. Last evaluated: 2023-07-01. Review status: criteria provided, single submitter. Criteria: Ambry Variant Classification Scheme 2023. Collection method: clinical testing. Allele origin: germline.
Comment: The p.K371* variant (also known as c.1111A>T), located in coding exon 4 of the BARD1 gene, results from an A to T substitution at nucleotide position 1111. This changes the amino acid from a lysine to a stop codon within coding exon 4. This variant has been identified in individuals diagnosed with renal cell carcinoma (Mandelker D et al. JAMA. 2017 09;318:825-835; Carlo MI et al. JAMA Oncol. 2018 Sep;4:1228-1235). In addition to the clinical data presented in the literature, this alteration is expected to result in loss of function by premature protein truncation or nonsense-mediated mRNA decay. As such, this alteration is interpreted as a disease-causing mutation.

Myriad Genetics, Inc.
Classification: Pathogenic for Familial cancer of breast. Last evaluated: 2023-05-22. Review status: criteria provided, single submitter. Criteria: Myriad Autosomal Dominant, Autosomal Recessive and X-Linked Classification Criteria (2023). Collection method: clinical testing. Allele origin: unknown.
Comment: This variant is considered pathogenic. This variant creates a termination codon and is predicted to result in premature protein truncation.

Literature cited by the submitters: PubMed 20077502 (cited by Labcorp Genetics (formerly Invitae), Labcorp); PubMed 21344236 (cited by Labcorp Genetics (formerly Invitae), Labcorp); PubMed 28873162 (cited by Ambry Genetics); PubMed 29978187 (cited by Ambry Genetics).

NM_000465.4(BARD1):c.1111A>T (p.Lys371Ter)

Gene: BARD1 (BRCA1 associated RING domain 1; minus strand). Cytogenetic location: 2q35.
Variant type: single nucleotide variant.
Coding change: c.1111A>T on transcript NM_000465.4 (MANE Select); coding-DNA position 1111, A replaced by T.
Protein change: p.Lys371Ter; replaces lysine 371 with a stop codon.
Molecular consequence: nonsense. On other transcripts: non-coding transcript variant (2), intron variant (3).
Genome position (GRCh38, 1-based): chr2:214,780,763, T>A on the plus strand (A>T on the coding strand, the complement: BARD1 is on the minus strand). VCF-style: chr2-214780763-T-A. GRCh37 (hg19) VCF-style: chr2-215645487-T-A.
Other names: c.1054A>T, p.Lys352Ter (NM_001282543.2); c.159-28208A>T (NM_001282548.2); c.215+16298A>T (NM_001282545.2); c.364+11534A>T (NM_001282549.2); short protein forms K371*, K352*.
Identifiers: ClinVar variation 580814 (VCV000580814.15), dbSNP rs1364256214, ClinGen allele CA350454036.